The following is an entry in ClinVar:

ClinVar aggregate classification (germline): Uncertain significance (0 of 4 stars; one submission).

Conditions:
DNAH9-related disorder. Also called: DNAH9-related condition.

gnomAD v4.1: 3 of 1,614,156 alleles (0.00019%); highest among the groups gnomAD compares: South Asian, 0.0022%; no homozygotes.

Submission:

PreventionGenetics, part of Exact Sciences
Classification: Uncertain significance for DNAH9-related condition. Last evaluated: 2024-09-27. Review status: no assertion criteria provided. Collection method: clinical testing. Allele origin: germline.
Comment: The DNAH9 c.11387A>G variant is predicted to result in the amino acid substitution p.Gln3796Arg. To our knowledge, this variant has not been reported in the literature. This variant is reported in 0.0065% of alleles in individuals of South Asian descent in gnomAD. At this time, the clinical significance of this variant is uncertain due to the absence of conclusive functional and genetic evidence.

NM_001372.4(DNAH9):c.11387A>G (p.Gln3796Arg)

Gene: DNAH9 (dynein axonemal heavy chain 9; plus strand). Cytogenetic location: 17p12.
Variant type: single nucleotide variant.
Coding change: c.11387A>G on transcript NM_001372.4 (MANE Select); coding-DNA position 11387, A replaced by G.
Protein change: p.Gln3796Arg; replaces glutamine 3796 with arginine.
Molecular consequence: missense variant.
Genome position (GRCh38, 1-based): chr17:11,894,477, A>G. VCF-style: chr17-11894477-A-G. GRCh37 (hg19) VCF-style: chr17-11797794-A-G.
Other names: c.323A>G, p.Gln108Arg (NM_004662.2); short protein forms Q108R, Q3796R.
Identifiers: ClinVar variation 3356912 (VCV003356912.1).